The following is an entry in ClinVar:

ClinVar aggregate classification (germline): Uncertain significance (1 of 4 stars; one submission).

Conditions:
Jeune thoracic dystrophy. Also called: Jeune syndrome; Infantile thoracic dystrophy; Thoracic pelvic phalangeal dystrophy; Jeune's syndrome; Chondroectodermal dysplasia-like syndrome; Short-rib thoracic dysplasia. Identifiers: Orphanet 474, MedGen C0265275, MONDO:0018770.

Submission:

Labcorp Genetics (formerly Invitae), Labcorp
Classification: Uncertain significance for Jeune thoracic dystrophy. Last evaluated: 2022-09-29. Review status: criteria provided, single submitter. Criteria: Invitae Variant Classification Sherloc (09022015). Collection method: clinical testing. Allele origin: germline.
Comment: This sequence change replaces alanine, which is neutral and non-polar, with glycine, which is neutral and non-polar, at codon 58 of the DYNC2H1 protein (p.Ala58Gly). This variant is not present in population databases (gnomAD no frequency). This variant has not been reported in the literature in individuals affected with DYNC2H1-related conditions. Advanced modeling of protein sequence and biophysical properties (such as structural, functional, and spatial information, amino acid conservation, physicochemical variation, residue mobility, and thermodynamic stability) performed at Invitae indicates that this missense variant is not expected to disrupt DYNC2H1 protein function. In summary, the available evidence is currently insufficient to determine the role of this variant in disease. Therefore, it has been classified as a Variant of Uncertain Significance.

NM_001377.3(DYNC2H1):c.173C>G (p.Ala58Gly)

Gene: DYNC2H1 (dynein cytoplasmic 2 heavy chain 1; plus strand). Cytogenetic location: 11q22.3.
Variant type: single nucleotide variant.
Coding change: c.173C>G on transcript NM_001377.3 (MANE Select); coding-DNA position 173, C replaced by G.
Protein change: p.Ala58Gly; replaces alanine 58 with glycine.
Molecular consequence: missense variant.
Genome position (GRCh38, 1-based): chr11:103,109,747, C>G. VCF-style: chr11-103109747-C-G. GRCh37 (hg19) VCF-style: chr11-102980476-C-G.
Other names: c.173C>G, p.Ala58Gly (NM_001080463.2); short protein forms A58G.
Identifiers: ClinVar variation 1719919 (VCV001719919.3), dbSNP rs2496746557, ClinGen allele CA382241365.